The following is an entry in ClinVar:

ClinVar aggregate classification (germline): Uncertain significance (1 of 4 stars; one submission).

Conditions:
Emery-Dreifuss muscular dystrophy 5, autosomal dominant (EDMD5). Also called: EMERY-DREIFUSS MUSCULAR DYSTROPHY 5. Identifiers: Orphanet 261, MedGen C2751805, MONDO:0013072, OMIM 612999.

Submission:

Labcorp Genetics (formerly Invitae), Labcorp
Classification: Uncertain significance for Emery-Dreifuss muscular dystrophy 5, autosomal dominant. Last evaluated: 2025-09-28. Review status: criteria provided, single submitter. Criteria: Invitae Variant Classification Sherloc (09022015). Collection method: clinical testing. Allele origin: germline.
Comment: This sequence change replaces serine, which is neutral and polar, with threonine, which is neutral and polar, at codon 5090 of the SYNE2 protein (p.Ser5090Thr). This variant is not present in population databases (gnomAD no frequency). This variant has not been reported in the literature in individuals affected with SYNE2-related conditions. An algorithm developed to predict the effect of missense changes on protein structure and function (PolyPhen-2) suggests that this variant is likely to be disruptive. In summary, the available evidence is currently insufficient to determine the role of this variant in disease. Therefore, it has been classified as a Variant of Uncertain Significance.

NM_182914.3(SYNE2):c.15268T>A (p.Ser5090Thr)

Gene: SYNE2 (spectrin repeat containing nuclear envelope protein 2; plus strand). Cytogenetic location: 14q23.2.
Variant type: single nucleotide variant.
Coding change: c.15268T>A on transcript NM_182914.3 (MANE Select); coding-DNA position 15268, T replaced by A.
Protein change: p.Ser5090Thr; replaces serine 5090 with threonine.
Molecular consequence: missense variant.
Genome position (GRCh38, 1-based): chr14:64,142,050, T>A. VCF-style: chr14-64142050-T-A. GRCh37 (hg19) VCF-style: chr14-64608768-T-A.
Other names: c.15268T>A, p.Ser5090Thr (NM_015180.6); short protein forms S5090T.
Identifiers: ClinVar variation 4765197 (VCV004765197.1).